The following is an entry in ClinVar:

ClinVar aggregate classification (germline): Likely benign. Review status: criteria provided, single submitter (1 of 4 stars). 2 submissions from 2 submitters: Likely benign (1). 1 of the submissions does not count toward it. Last evaluated 2023-10-09.

Conditions:
MAP3K7-related disorder.

Allele frequency attached by ClinVar (database versions not stated): TOPMed 0.00001; gnomAD 0.00003; gnomAD exomes 0.00003; ExAC 0.00008; 1000 Genomes Project 30x 0.00031; 1000 Genomes Project 0.00040.
gnomAD v4.1: 41 of 1,589,566 alleles (0.0026%); highest among the groups gnomAD compares: South Asian, 0.047%; no homozygotes.

Submissions (2):

Labcorp Genetics (formerly Invitae), Labcorp
Classification: Likely benign. Last evaluated: 2023-10-09. Review status: criteria provided, single submitter. Criteria: Invitae Variant Classification Sherloc (09022015). Collection method: clinical testing. Allele origin: germline.

PreventionGenetics, part of Exact Sciences
Classification: Likely benign for MAP3K7-related condition. Last evaluated: 2019-06-11. Review status: no assertion criteria provided. Collection method: clinical testing. Allele origin: germline. Not counted in ClinVar's aggregate classification.
Comment: This variant is classified as likely benign based on ACMG/AMP sequence variant interpretation guidelines (Richards et al. 2015 PMID: 25741868, with internal and published modifications).

NM_145331.3(MAP3K7):c.1519C>T (p.Leu507=)

Gene: MAP3K7 (mitogen-activated protein kinase kinase kinase 7; minus strand). Cytogenetic location: 6q15.
Variant type: single nucleotide variant.
Coding change: c.1519C>T on transcript NM_145331.3 (MANE Select); coding-DNA position 1519, C replaced by T.
Protein change: p.Leu507=; no amino-acid change (leucine 507 retained).
Molecular consequence: synonymous variant.
Genome position (GRCh38, 1-based): chr6:90,519,263, G>A on the plus strand (C>T on the coding strand, the complement: MAP3K7 is on the minus strand). VCF-style: chr6-90519263-G-A. GRCh37 (hg19) VCF-style: chr6-91228982-G-A.
Other names: c.1519C>T (NM_145331.2); c.1438C>T, p.Leu480= (NM_003188.4, NM_145333.3); c.1519C>T, p.Leu507= (NM_145332.3).
Identifiers: ClinVar variation 2963381 (VCV002963381.5), dbSNP rs567494831, ClinGen allele CA3928324.